The following is an entry in ClinVar:

NM_002691.4(POLD1):c.900G>T (p.Pro300=)

Gene: POLD1 (DNA polymerase delta 1, catalytic subunit; plus strand). Cytogenetic location: 19q13.33.
Variant type: single nucleotide variant.
Coding change: c.900G>T on transcript NM_002691.4 (MANE Select); coding-DNA position 900, G replaced by T.
Protein change: p.Pro300=; no amino-acid change (proline 300 retained).
Molecular consequence: synonymous variant. On other transcripts: non-coding transcript variant (1).
Genome position (GRCh38, 1-based): chr19:50,402,671, G>T. VCF-style: chr19-50402671-G-T. GRCh37 (hg19) VCF-style: chr19-50905928-G-T.
Other names: c.900G>T, p.Pro300= (NM_001256849.1, NM_001308632.1).
Identifiers: ClinVar variation 537155 (VCV000537155.13), dbSNP rs142407935, ClinGen allele CA508181958.

ClinVar aggregate classification (germline): Benign/Likely benign. Review status: criteria provided, multiple submitters, no conflicts (2 of 4 stars). 3 submissions from 3 submitters: Benign (1); Likely benign (2). Last evaluated 2026-01-19.

Conditions:
POLD1-related polyposis and colorectal cancer syndrome (CRCS10). Also called: Colorectal cancer 10; COLORECTAL CANCER, SUSCEPTIBILITY TO, ON CHROMOSOME 19q; Colorectal cancer, susceptibility to, 10. Identifiers: Orphanet 220460, MedGen C2675481, MONDO:0012953, OMIM 612591.
Hereditary cancer-predisposing syndrome. Also called: Tumor predisposition; Neoplastic Syndromes, Hereditary; Hereditary Cancer Syndrome; Hereditary neoplastic syndrome. Identifiers: Orphanet 140162, MedGen C0027672, MeSH D009386, MONDO:0015356.

gnomAD v4.1: 5 of 1,598,278 alleles (0.00031%); highest among the groups gnomAD compares: South Asian, 0.0011%; no homozygotes.

Submissions (3):

Labcorp Genetics (formerly Invitae), Labcorp
Classification: Likely benign for POLD1-related polyposis and colorectal cancer syndrome. Last evaluated: 2026-01-19. Review status: criteria provided, single submitter. Criteria: Invitae Variant Classification Sherloc (09022015). Collection method: clinical testing. Allele origin: germline.

Myriad Genetics, Inc.
Classification: Benign for POLD1-related polyposis and colorectal cancer syndrome. Last evaluated: 2025-02-05. Review status: criteria provided, single submitter. Criteria: Myriad Autosomal Dominant, Autosomal Recessive and X-Linked Classification Criteria (2023). Collection method: clinical testing. Allele origin: unknown.
Comment: This variant is considered benign. This variant is a silent/synonymous amino acid change and it is not expected to impact splicing.

Ambry Genetics
Classification: Likely benign for Hereditary cancer-predisposing syndrome. Last evaluated: 2019-03-20. Review status: criteria provided, single submitter. Criteria: Ambry Variant Classification Scheme 2023. Collection method: clinical testing. Allele origin: germline.